The following is an entry in ClinVar:

NM_005989.4(AKR1D1):c.120G>A (p.Ser40=)

Gene: AKR1D1 (aldo-keto reductase family 1 member D1; plus strand). Cytogenetic location: 7q33.
Variant type: single nucleotide variant.
Coding change: c.120G>A on transcript NM_005989.4 (MANE Select); coding-DNA position 120, G replaced by A.
Protein change: p.Ser40=; no amino-acid change (serine 40 retained).
Molecular consequence: synonymous variant.
Genome position (GRCh38, 1-based): chr7:138,088,627, G>A. VCF-style: chr7-138088627-G-A. GRCh37 (hg19) VCF-style: chr7-137773373-G-A.
Other names: c.120G>A, p.Ser40= (NM_001190906.2, NM_001190907.2).
Identifiers: ClinVar variation 3358369 (VCV003358369.3).

ClinVar aggregate classification (germline): Conflicting classifications of pathogenicity. Review status: criteria provided, conflicting classifications (1 of 4 stars). 2 submissions from 2 submitters: Uncertain significance (1); Likely benign (1). Last evaluated 2025-11-17.

Conditions:
AKR1D1-related disorder. Also called: AKR1D1-related condition.

gnomAD v4.1: 25 of 1,614,042 alleles (0.0015%); highest among the groups gnomAD compares: Admixed American, 0.023%; no homozygotes.

Submissions (2):

Labcorp Genetics (formerly Invitae), Labcorp
Classification: Likely benign. Last evaluated: 2025-11-17. Review status: criteria provided, single submitter. Criteria: Invitae Variant Classification Sherloc (09022015). Collection method: clinical testing. Allele origin: germline.

PreventionGenetics, part of Exact Sciences
Classification: Uncertain significance for AKR1D1-related condition. Last evaluated: 2025-05-07. Review status: criteria provided, single submitter. Criteria: ACMG Guidelines, 2015. Collection method: clinical testing. Allele origin: germline.
Comment: The AKR1D1 c.120G>A variant is not predicted to result in an amino acid change (p.=). This variant may result in the activation of a new cryptic splice acceptor site according to an in silico splicing algorithm (SpliceAI, Jaganathan K, et al. 2019. PubMed ID: 30661751). However, computer predictions are imperfect and not equivalent functional evidence. To our knowledge, this variant has not been reported in the literature. This variant is reported in 0.014% of alleles in individuals of Latino descent in gnomAD. At this time, the clinical significance of this variant is uncertain due to the absence of conclusive functional and genetic evidence.